The following is an entry in ClinVar:

NM_033656.4(BRWD1):c.4150C>T (p.Leu1384=)

Gene: BRWD1 (bromodomain and WD repeat domain containing 1; minus strand). Cytogenetic location: 21q22.2.
Variant type: single nucleotide variant.
Coding change: c.4150C>T on transcript NM_033656.4 (MANE Select); coding-DNA position 4150, C replaced by T.
Protein change: p.Leu1384=; no amino-acid change (leucine 1384 retained).
Molecular consequence: synonymous variant.
Genome position (GRCh38, 1-based): chr21:39,210,042, G>A on the plus strand (C>T on the coding strand, the complement: BRWD1 is on the minus strand). VCF-style: chr21-39210042-G-A. GRCh37 (hg19) VCF-style: chr21-40581968-G-A.
Other names: c.4150C>T, p.Leu1384= (NM_018963.5).
Identifiers: ClinVar variation 3771585 (VCV003771585.13).
Genomic context (GRCh38, chr21:39,210,042, plus strand): 5'-CATAAAAAATTACCTTTGATCTTTTGTTTGGTGTATACGCTTTTGCATTGCTAAATATCA[G>A]CCGGATGTCTTTGCAAAACTCCAAAGGGCTGTCATAATTTCCCGCATCTAGAGTTTCCCT-3'
Protein context (NP_387505.1, residues 1374-1394): SPLEFCKDIR[Leu1384=]IFSNAKAYTP

ClinVar aggregate classification (germline): Likely benign (1 of 4 stars; one submission).

Submission:

CeGaT Center for Human Genetics Tuebingen
Classification: Likely benign. Last evaluated: 2024-12-01. Review status: criteria provided, single submitter. Criteria: CeGaT Center For Human Genetics Tuebingen Variant Classification Criteria Version 2. Collection method: clinical testing. Allele origin: germline. Affected: yes. Observed: 1 variant allele.
Comment: BRWD1: BP4, BP7